The following is an entry in ClinVar:

NM_005422.4(TECTA):c.4085G>A (p.Trp1362Ter)

Genes: TBCEL-TECTA (TBCEL-TECTA readthrough; plus strand), TECTA (tectorin alpha; plus strand). Cytogenetic location: 11q23.3.
Variant type: single nucleotide variant.
Coding change: c.4085G>A on transcript NM_005422.4 (MANE Select); coding-DNA position 4085, G replaced by A.
Protein change: p.Trp1362Ter; replaces tryptophan 1362 with a stop codon.
Molecular consequence: nonsense.
Genome position (GRCh38, 1-based): chr11:121,146,096, G>A. VCF-style: chr11-121146096-G-A. GRCh37 (hg19) VCF-style: chr11-121016805-G-A.
Other names: c.4085G>A (NM_005422.2); c.5042G>A, p.Trp1681Ter (NM_001378761.1); short protein forms W1362*, W1681*.
Identifiers: ClinVar variation 498538 (VCV000498538.31), dbSNP rs199638531, ClinGen allele CA6327349.

ClinVar aggregate classification (germline): Pathogenic. Review status: reviewed by expert panel (3 of 4 stars). 9 submissions from 9 submitters: Pathogenic (1). 8 of the submissions do not count toward it. Last evaluated 2020-01-21.

Conditions:
Autosomal dominant nonsyndromic hearing loss 12. Also called: DEAFNESS, AUTOSOMAL DOMINANT 8. Identifiers: Orphanet 90635, MedGen C1832187, MONDO:0011102, OMIM 601543.
Autosomal recessive nonsyndromic hearing loss 21. Identifiers: Orphanet 90636, MedGen C1863655, MONDO:0011351, OMIM 603629.
Nonsyndromic genetic hearing loss. Also called: Nonsyndromic hearing loss and deafness; Non-syndromic genetic deafness; Nonsyndromic genetic deafness. Identifiers: Orphanet 87884, MedGen C5680182, MONDO:0019497.
Monogenic hearing loss.
TECTA-related disorder. Also called: TECTA-related condition.
Rare genetic deafness. Identifiers: Orphanet 96210, MedGen C5680250.

Allele frequency attached by ClinVar (database versions not stated): ExAC 0.00003; gnomAD 0.00011; gnomAD exomes 0.00019 and 0.00004; TOPMed 0.00008.
gnomAD v4.1: 288 of 1,610,180 alleles (0.018%); highest among the groups gnomAD compares: Non-Finnish European, 0.024%; no homozygotes.

Submissions (9):

ClinGen Hearing Loss Variant Curation Expert Panel
Classification: Pathogenic for Nonsyndromic genetic hearing loss. Last evaluated: 2020-01-21. Review status: reviewed by expert panel. Criteria: ClinGen HL ACMG Specifications v1. Collection method: curation. Allele origin: germline.
Comment: The c.4085G>A (p.Trp1362Ter) nonsense variant in TECTA is predicted to cause a premature stop codon in biologically-relevant exon 11 of 23 total exons, leading to a truncated or absent protein in a gene in which loss of function is an established mechanism of autosomal recessive nonsyndromic hearing loss (PVS1; PMID: 30192042). This variant is present in 0.01121% (14/124864) of non-Finnish European chromosomes in gnomAD v2 (PM2_Supporting). It has been observed in at least two probands presenting with nonsyndromic hearing loss (PMID: 31163360; LMM internal data SCV000711208.2). One individual harbored another nonsense variant in TECTA, which was suspected to be pathogenic (PM3_Supporting). In summary, this variant meets criteria to be classified as pathogenic for autosomal recessive nonsyndromic hearing loss. ACMG/AMP Criteria applied as specified by the Hearing Loss Expert Panel: PVS1, PM2_Supporting, PM3_Supporting.

GeneDx
Classification: Pathogenic. Last evaluated: 2026-09-09. Review status: criteria provided, single submitter. Criteria: GeneDx Variant Classification Process June 2021. Collection method: clinical testing. Allele origin: germline. Not counted in ClinVar's aggregate classification.
Comment: Nonsense variant predicted to result in protein truncation or nonsense mediated decay in a gene for which loss of function is a known mechanism of disease; This variant is associated with the following publications: (PMID: 31163360, 17431902, 24130743, 12746400, 11087000, 39333430)

Genetics Laboratory, Great Ormond Street Hospital NHS Foundation Trust, North Thames Genomic Laboratory Hub
Classification: Pathogenic for Monogenic hearing loss. Last evaluated: 2026-08-18. Review status: criteria provided, single submitter. Criteria: ACGS Best Practice Guidelines for Variant Classification in Rare Disease 2024 v1.2. Collection method: clinical testing. Allele origin: germline. Affected: yes. Not counted in ClinVar's aggregate classification.
Comment: PM2_supporting, PVS1_very-strong, PM3_supporting

PreventionGenetics, part of Exact Sciences
Classification: Pathogenic for TECTA-related condition. Last evaluated: 2026-04-15. Review status: criteria provided, single submitter. Criteria: ACMG Guidelines, 2015. Collection method: clinical testing. Allele origin: germline. Not counted in ClinVar's aggregate classification.
Comment: The TECTA c.4085G>A variant is predicted to result in premature protein termination (p.Trp1362*). This variant has been reported with a second TECTA variant in an individual with sensorineural hearing loss (Raymond et al. 2019. PubMed ID: 31163360) as well as in an individual with hearing loss in whom a second variant was not detected (Table S1, Schobers et al. 2025. PubMed ID: 39333430). It has also been described in individuals with autism spectrum disorders, though several other variants were also reported in these individuals (Table S3, Ruzzo et al. 2019. PubMed ID: 31398340; Dataset S2, Cirnigliaro et al. 2023. PubMed ID: 37506195). This variant is classified as pathogenic for autosomal recessive non-syndromic hearing loss by a ClinGen expert panel (ClinVar Variation ID: 498538). This variant is reported in 0.011% of alleles in individuals of European (non-Finnish) descent in gnomAD. Nonsense variants in TECTA are expected to be pathogenic. This variant is classified as pathogenic for autosomal recessive hearing loss. However, the clinical significance of this variant for autosomal dominant hearing loss is uncertain due to the absence of conclusive functional and genetic evidence.

Labcorp Genetics (formerly Invitae), Labcorp
Classification: Pathogenic. Last evaluated: 2024-12-09. Review status: criteria provided, single submitter. Criteria: Invitae Variant Classification Sherloc (09022015). Collection method: clinical testing. Allele origin: germline. Not counted in ClinVar's aggregate classification.
Comment: This sequence change creates a premature translational stop signal (p.Trp1362*) in the TECTA gene. It is expected to result in an absent or disrupted protein product. Loss-of-function variants in TECTA are known to be pathogenic (PMID: 11087000, 12746400, 17431902, 24130743). This variant is present in population databases (rs199638531, gnomAD 0.01%). This premature translational stop signal has been observed in individual(s) with non-syndromic deafness (PMID: 31163360). ClinVar contains an entry for this variant (Variation ID: 498538). For these reasons, this variant has been classified as Pathogenic.

Blueprint Genetics
Classification: Pathogenic for TECTA-related disorders. Last evaluated: 2024-07-19. Review status: criteria provided, single submitter. Criteria: ACMG Guidelines, 2015. Collection method: clinical testing. Allele origin: germline. Affected: yes. Observed: 5 variant alleles. Not counted in ClinVar's aggregate classification.

Fulgent Genetics
Classification: Pathogenic for Autosomal dominant nonsyndromic hearing loss 12; Autosomal recessive nonsyndromic hearing loss 21. Last evaluated: 2024-06-07. Review status: criteria provided, single submitter. Criteria: ACMG Guidelines, 2015. Collection method: clinical testing. Allele origin: germline. Not counted in ClinVar's aggregate classification.

Laboratory for Molecular Medicine, Mass General Brigham Personalized Medicine
Classification: Likely pathogenic for Rare genetic deafness. Last evaluated: 2018-12-04. Review status: criteria provided, single submitter. Criteria: LMM Criteria. Collection method: clinical testing. Allele origin: germline. Inheritance: Autosomal recessive inheritance. Observed: 5 variant alleles. Not counted in ClinVar's aggregate classification.
Comment: The p.Trp1362X variant in TECTA has been identified in the heterozygous state in 1 family with hearing loss; however, this family also harbored pathogenic varia nts in different genes that may explain their hearing loss (LMM data). The p.Trp 1362X variant has also been identified in 0.01% (14/124864) of European chromoso mes by gnomAD and has been reported in ClinVa r (Variation ID 498538). Although this variant has been seen in the general popu lation, its frequency is low enough to be consistent with a recessive carrier fr equency. This nonsense variant leads to a premature termination codon at positio n 1362, which is predicted to lead to a truncated or absent protein. Loss of fun ction of the TECTA gene is an established disease mechanism in autosomal recessi ve hearing loss (Hildebrand 2011). In summary, this variant meets criteria to be classified as likely pathogenic for autosomal recessive hearing loss. ACMG/AMP criteria applied: PVS1, PM2_Supporting. Please note that some truncating variant s in TECTA have been reported to segregate in an autosomal dominant manner (Coli n 2008, Hildebrand 2011); however, there is currently insufficient data to predi ct whether the p.Trp1362X variant can lead to dominantly inherited hearing loss.

Eurofins Ntd Llc (ga)
Classification: Pathogenic. Last evaluated: 2016-12-07. Review status: criteria provided, single submitter. Criteria: EGL Classification Definitions 2015. Collection method: clinical testing. Allele origin: germline. Observed: 1 variant allele, 1 heterozygote. Not counted in ClinVar's aggregate classification.

Literature cited by the submitters: PubMed 31163360 (cited by ClinGen Hearing Loss Variant Curation Expert Panel and Labcorp Genetics (formerly Invitae), Labcorp); PubMed 11087000 (cited by Labcorp Genetics (formerly Invitae), Labcorp); PubMed 12746400 (cited by Labcorp Genetics (formerly Invitae), Labcorp); PubMed 17431902 (cited by Labcorp Genetics (formerly Invitae), Labcorp); PubMed 24130743 (cited by Labcorp Genetics (formerly Invitae), Labcorp).